The following is an entry in ClinVar:

ClinVar aggregate classification (germline): Uncertain significance. Review status: criteria provided, multiple submitters, no conflicts (2 of 4 stars). 2 submissions from 2 submitters: Uncertain significance (2). Last evaluated 2025-12-08.

Allele frequency attached by ClinVar (database versions not stated): gnomAD exomes below 0.00001; ExAC 0.00001; gnomAD 0.00001.
gnomAD v4.1: 3 of 1,611,832 alleles (0.00019%); highest among the groups gnomAD compares: African/African-American, 0.004%; no homozygotes.

Submissions (2):

Ambry Genetics
Classification: Uncertain significance. Last evaluated: 2025-12-08. Review status: criteria provided, single submitter. Criteria: Ambry Variant Classification Scheme 2023. Collection method: clinical testing. Allele origin: germline.
Comment: The c.2288C>A (p.P763H) alteration is located in exon 12 (coding exon 12) of the ATRIP gene. This alteration results from a C to A substitution at nucleotide position 2288, causing the proline (P) at amino acid position 763 to be replaced by a histidine (H). Based on data from gnomAD, the A allele has an overall frequency of <0.001% (1/245292) total alleles studied. The highest observed frequency was 0.006% (1/15968) of African alleles. Based on insufficient or conflicting evidence, the clinical significance of this alteration remains unclear.

Labcorp Genetics (formerly Invitae), Labcorp
Classification: Uncertain significance. Last evaluated: 2024-08-12. Review status: criteria provided, single submitter. Criteria: Invitae Variant Classification Sherloc (09022015). Collection method: clinical testing. Allele origin: germline.
Comment: This sequence change replaces proline, which is neutral and non-polar, with histidine, which is basic and polar, at codon 763 of the ATRIP protein (p.Pro763His). This variant is not present in population databases (gnomAD no frequency). This variant has not been reported in the literature in individuals affected with ATRIP-related conditions. An algorithm developed to predict the effect of missense changes on protein structure and function (PolyPhen-2) suggests that this variant is likely to be disruptive. In summary, the available evidence is currently insufficient to determine the role of this variant in disease. Therefore, it has been classified as a Variant of Uncertain Significance.

NM_130384.3(ATRIP):c.2288C>A (p.Pro763His)

Genes: ATRIP (ATR interacting protein; plus strand), ATRIP-TREX1 (ATRIP-TREX1 readthrough; plus strand). Cytogenetic location: 3p21.31.
Variant type: single nucleotide variant.
Coding change: c.2288C>A on transcript NM_130384.3 (MANE Select); coding-DNA position 2288, C replaced by A.
Protein change: p.Pro763His; replaces proline 763 with histidine.
Molecular consequence: missense variant. On other transcripts: non-coding transcript variant (1).
Genome position (GRCh38, 1-based): chr3:48,465,063, C>A. VCF-style: chr3-48465063-C-A. GRCh37 (hg19) VCF-style: chr3-48506462-C-A.
Other names: c.1907C>A, p.Pro636His (NM_001271022.2); c.2009C>A, p.Pro670His (NM_001271023.2); c.2207C>A, p.Pro736His (NM_032166.4); short protein forms P636H, P670H, P736H, P763H.
Identifiers: ClinVar variation 2797525 (VCV002797525.5), dbSNP rs774877846, ClinGen allele CA2376448.
Genomic context (GRCh38, chr3:48,465,063, plus strand): 5'-AGGTCCTGCATCAGTTTGACCAGGTGATGCCGGGGGTCAGCATGCTCATCCGAGGGCTTC[C>A]TGATGTGACGGACTGTGAAGGTAAGCCTGCCAGAGGCCATCCTGCCCAGCCCCCATGGCT-3'
Protein context (NP_569055.1, residues 753-773): PGVSMLIRGL[Pro763His]DVTDCEEAAL